The following is an entry in ClinVar:

NM_000186.4(CFH):c.124T>G (p.Tyr42Asp)

Gene: CFH (complement factor H; plus strand). Cytogenetic location: 1q31.3.
Variant type: single nucleotide variant.
Coding change: c.124T>G on transcript NM_000186.4 (MANE Select); coding-DNA position 124, T replaced by G.
Protein change: p.Tyr42Asp; replaces tyrosine 42 with aspartic acid.
Molecular consequence: missense variant.
Genome position (GRCh38, 1-based): chr1:196,673,043, T>G. VCF-style: chr1-196673043-T-G. GRCh37 (hg19) VCF-style: chr1-196642173-T-G.
Other names: c.124T>G, p.Tyr42Asp (NM_001014975.3); short protein forms Y42D.
Identifiers: ClinVar variation 4992946 (VCV004992946.1).

ClinVar aggregate classification (germline): Uncertain significance (1 of 4 stars; one submission).

Conditions:
CFH-related disorder. Also called: CFH-related condition; CFH-related disorders.

gnomAD v4.1: 1 of 1,614,068 alleles (0.000062%); highest among the groups gnomAD compares: Non-Finnish European, 0.000085%; no homozygotes.

Submission:

PreventionGenetics, part of Exact Sciences
Classification: Uncertain significance for CFH-related condition. Last evaluated: 2025-11-05. Review status: criteria provided, single submitter. Criteria: ACMG Guidelines, 2015. Collection method: clinical testing. Allele origin: germline.
Comment: The CFH c.124T>G variant is predicted to result in the amino acid substitution p.Tyr42Asp. To our knowledge, this variant has not been reported in the literature or in a large population database (gnomAD), indicating this variant is rare. At this time, the clinical significance of this variant is uncertain due to the absence of conclusive functional and genetic evidence.